The following is an entry in ClinVar:

ClinVar aggregate classification (germline): Conflicting classifications of pathogenicity. Review status: criteria provided, conflicting classifications (1 of 4 stars). 2 submissions from 2 submitters: Uncertain significance (1); Likely benign (1). Last evaluated 2025-09-10.

Conditions:
Familial thoracic aortic aneurysm and aortic dissection (TAAD). Also called: Thoracic aortic aneurysms and dissections. Identifiers: Orphanet 91387, MedGen C4707243, MONDO:0019625.

Allele frequency attached by ClinVar (database versions not stated): gnomAD exomes below 0.00001.
gnomAD v4.1: 1 of 1,613,756 alleles (0.000062%); highest among the groups gnomAD compares: East Asian, 0.0022%; no homozygotes.

Submissions (2):

Color Diagnostics, LLC DBA Color Health
Classification: Likely benign for Familial thoracic aortic aneurysm and aortic dissection. Last evaluated: 2025-09-10. Review status: criteria provided, single submitter. Criteria: ACMG Guidelines, 2015. Collection method: clinical testing. Allele origin: germline.

GeneDx
Classification: Uncertain significance. Last evaluated: 2019-04-15. Review status: criteria provided, single submitter. Criteria: GeneDx Variant Classification Process June 2021. Collection method: clinical testing. Allele origin: germline. Affected: yes.
Comment: Has not been previously published as pathogenic or benign to our knowledge; In silico analysis, which includes protein predictors and evolutionary conservation, supports that this variant does not alter protein structure/function; Not observed in large population cohorts (Lek et al., 2016); This variant is associated with the following publications: (PMID: 31915033)

NM_004612.4(TGFBR1):c.341C>G (p.Thr114Ser)

Gene: TGFBR1 (transforming growth factor beta receptor 1; plus strand). Cytogenetic location: 9q22.33.
Variant type: single nucleotide variant.
Coding change: c.341C>G on transcript NM_004612.4 (MANE Select); coding-DNA position 341, C replaced by G.
Protein change: p.Thr114Ser; replaces threonine 114 with serine.
Molecular consequence: missense variant.
Genome position (GRCh38, 1-based): chr9:99,129,098, C>G. VCF-style: chr9-99129098-C-G. GRCh37 (hg19) VCF-style: chr9-101891380-C-G.
Other names: c.341C>G (NM_004612.2); c.341C>G, p.Thr114Ser (NM_001130916.3, NM_001306210.2); short protein forms T114S.
Identifiers: ClinVar variation 927628 (VCV000927628.6), dbSNP rs1827133059, ClinGen allele CA374226539.